The following is an entry in ClinVar:

ClinVar aggregate classification (germline): Likely benign. Review status: criteria provided, multiple submitters, no conflicts (2 of 4 stars). 3 submissions from 3 submitters: Likely benign (2). 1 of the submissions does not count toward it. Last evaluated 2024-11-27.

Conditions:
FGF8-related disorder. Also called: FGF8-related condition.

gnomAD v4.1: 99 of 1,547,762 alleles (0.0064%); highest among the groups gnomAD compares: East Asian, 0.046%; no homozygotes.

Submissions (3):

Blueprint Genetics
Classification: Likely benign. Last evaluated: 2024-11-27. Review status: criteria provided, single submitter. Criteria: ACMG Guidelines, 2015. Collection method: clinical testing. Allele origin: germline.

Labcorp Genetics (formerly Invitae), Labcorp
Classification: Likely benign. Last evaluated: 2023-11-27. Review status: criteria provided, single submitter. Criteria: Invitae Variant Classification Sherloc (09022015). Collection method: clinical testing. Allele origin: germline.

PreventionGenetics, part of Exact Sciences
Classification: Likely benign for FGF8-related condition. Last evaluated: 2020-04-24. Review status: no assertion criteria provided. Collection method: clinical testing. Allele origin: germline. Not counted in ClinVar's aggregate classification.
Comment: This variant is classified as likely benign based on ACMG/AMP sequence variant interpretation guidelines (Richards et al. 2015 PMID: 25741868, with internal and published modifications).

NM_033163.5(FGF8):c.93G>A (p.Ala31=)

Gene: FGF8 (fibroblast growth factor 8; minus strand). Cytogenetic location: 10q24.32.
Variant type: single nucleotide variant.
Coding change: c.93G>A on transcript NM_033163.5 (MANE Select); coding-DNA position 93, G replaced by A.
Protein change: p.Ala31=; no amino-acid change (alanine 31 retained).
Molecular consequence: synonymous variant. On other transcripts: intron variant (3).
Genome position (GRCh38, 1-based): chr10:101,775,193, C>T on the plus strand (G>A on the coding strand, the complement: FGF8 is on the minus strand). VCF-style: chr10-101775193-C-T. GRCh37 (hg19) VCF-style: chr10-103534950-C-T.
Other names: c.93G>A (NM_033163.3); c.93G>A, p.Ala31= (NM_033164.4); c.-123-314G>A (NM_001206389.2); c.70-314G>A (NM_033165.5); c.70-281G>A (NM_006119.6).
Identifiers: ClinVar variation 1649848 (VCV001649848.11), dbSNP rs772729821, ClinGen allele CA5657686.